The following is an entry in ClinVar:

ClinVar aggregate classification (germline): Benign (1 of 4 stars; one submission).

Allele frequency attached by ClinVar (database versions not stated): gnomAD 0.02232 and 0.02280; TOPMed 0.02609; 1000 Genomes Project 30x 0.04403; 1000 Genomes Project 0.04493.

Submission:

GeneDx
Classification: Benign. Last evaluated: 2018-06-19. Review status: criteria provided, single submitter. Criteria: GeneDx Variant Classification (06012015). Collection method: clinical testing. Allele origin: germline. Affected: yes.
Comment: This variant is considered likely benign or benign based on one or more of the following criteria: it is a conservative change, it occurs at a poorly conserved position in the protein, it is predicted to be benign by multiple in silico algorithms, and/or has population frequency not consistent with disease.

NM_000090.4(COL3A1):c.2392-232A>G

Genes: COL3A1 (collagen type III alpha 1 chain; plus strand), LOC126806446 (P300/CBP strongly-dependent group 1 enhancer GRCh37_chr2:189866210-189867409; plus strand). Cytogenetic location: 2q32.2.
Variant type: single nucleotide variant.
Coding change: c.2392-232A>G on transcript NM_000090.4 (MANE Select); 232 bases into the intron before coding-DNA position 2392, A replaced by G.
Molecular consequence: intron variant.
Genome position (GRCh38, 1-based): chr2:189,002,066, A>G. VCF-style: chr2-189002066-A-G. GRCh37 (hg19) VCF-style: chr2-189866792-A-G.
Identifiers: ClinVar variation 678509 (VCV000678509.1), dbSNP rs3768659, ClinGen allele CA62555829.
Genomic context (GRCh38, chr2:189,002,066, plus strand): 5'-CATATATTGAAATACATAAATATCTATATATATAAATGTGTTAAATACTTTAAAATTCTC[A>G]AACTATTTTTCTTGCAAATAATATCACAGTAGGAGGCAGAAGGAATCAATGGTTCTGGTA-3'